The following is an entry in ClinVar:

ClinVar aggregate classification (germline): Likely benign. Review status: criteria provided, multiple submitters, no conflicts (2 of 4 stars). 2 submissions from 2 submitters: Likely benign (2). Last evaluated 2025-12-11.

Conditions:
Ehlers-Danlos syndrome, spondylodysplastic type, 3. Also called: Ehlers-Danlos syndrome, spondylocheirodysplastic type. Identifiers: Orphanet 157965, MedGen C2676510, MONDO:0012873, OMIM 612350.

Allele frequency attached by ClinVar (database versions not stated): ExAC 0.00001; TOPMed 0.00001; gnomAD exomes 0.00002 and 0.00003; gnomAD 0.00003.
gnomAD v4.1: 15 of 1,604,450 alleles (0.00093%); highest among the groups gnomAD compares: Middle Eastern, 0.016%; no homozygotes.

Submissions (2):

Labcorp Genetics (formerly Invitae), Labcorp
Classification: Likely benign for Ehlers-Danlos syndrome, spondylodysplastic type, 3. Last evaluated: 2025-12-11. Review status: criteria provided, single submitter. Criteria: Invitae Variant Classification Sherloc (09022015). Collection method: clinical testing. Allele origin: germline.

GeneDx
Classification: Likely benign. Last evaluated: 2018-02-23. Review status: criteria provided, single submitter. Criteria: GeneDx Variant Classification (06012015). Collection method: clinical testing. Allele origin: germline. Affected: yes.
Comment: This variant is considered likely benign or benign based on one or more of the following criteria: it is a conservative change, it occurs at a poorly conserved position in the protein, it is predicted to be benign by multiple in silico algorithms, and/or has population frequency not consistent with disease.

NM_001128225.3(SLC39A13):c.736-18C>T

Gene: SLC39A13 (solute carrier family 39 member 13; plus strand). Cytogenetic location: 11p11.2.
Variant type: single nucleotide variant.
Coding change: c.736-18C>T on transcript NM_001128225.3 (MANE Select); 18 bases into the intron before coding-DNA position 736, C replaced by T.
Molecular consequence: intron variant.
Genome position (GRCh38, 1-based): chr11:47,414,407, C>T. VCF-style: chr11-47414407-C-T. GRCh37 (hg19) VCF-style: chr11-47435958-C-T.
Other names: c.736-18C>T (NM_152264.5, NM_001330245.2).
Identifiers: ClinVar variation 515545 (VCV000515545.9), dbSNP rs761758087, ClinGen allele CA5975917.